The following is an entry in ClinVar:

NM_004183.4(BEST1):c.475C>T (p.Gln159Ter)

Gene: BEST1 (bestrophin 1; plus strand). Cytogenetic location: 11q12.3.
Variant type: single nucleotide variant.
Coding change: c.475C>T on transcript NM_004183.4 (MANE Select); coding-DNA position 475, C replaced by T.
Protein change: p.Gln159Ter; replaces glutamine 159 with a stop codon.
Molecular consequence: nonsense. On other transcripts: non-coding transcript variant (1).
Genome position (GRCh38, 1-based): chr11:61,955,945, C>T. VCF-style: chr11-61955945-C-T. GRCh37 (hg19) VCF-style: chr11-61723417-C-T.
Other names: c.475C>T (NM_004183.3); c.295C>T, p.Gln99Ter (NM_001139443.3, NM_001300786.2, NM_001300787.2); c.157C>T, p.Gln53Ter (NM_001363591.3); c.475C>T, p.Gln159Ter (NM_001363592.2); c.-701C>T (NM_001363593.3); short protein forms Q53*, Q99*, Q159*.
Identifiers: ClinVar variation 1458641 (VCV001458641.9), dbSNP rs1174029281, ClinGen allele CA380835607.

ClinVar aggregate classification (germline): Pathogenic/Likely pathogenic. Review status: criteria provided, multiple submitters, no conflicts (2 of 4 stars). 2 submissions from 2 submitters: Pathogenic (1); Likely pathogenic (1). Last evaluated 2026-03-25.

Allele frequency attached by ClinVar (database versions not stated): gnomAD exomes 0.00002 and 0.00001.
gnomAD v4.1: 23 of 1,547,278 alleles (0.0015%); highest among the groups gnomAD compares: Non-Finnish European, 0.0019%; no homozygotes.

Submissions (2):

GeneDx
Classification: Likely pathogenic. Last evaluated: 2026-03-25. Review status: criteria provided, single submitter. Criteria: GeneDx Variant Classification Process June 2021. Collection method: clinical testing. Allele origin: germline.
Comment: Nonsense variant predicted to result in protein truncation or nonsense mediated decay in a gene for which loss-of-function is a known mechanism of disease; This variant is associated with the following publications: (PMID: 27071392, 25525159, 33039401, 40724865, 21825197)

Labcorp Genetics (formerly Invitae), Labcorp
Classification: Pathogenic. Last evaluated: 2024-11-14. Review status: criteria provided, single submitter. Criteria: Invitae Variant Classification Sherloc (09022015). Collection method: clinical testing. Allele origin: germline.
Comment: This sequence change creates a premature translational stop signal (p.Gln159*) in the BEST1 gene. It is expected to result in an absent or disrupted protein product. Loss-of-function variants in BEST1 are known to be pathogenic (PMID: 21825197). The frequency data for this variant in the population databases is considered unreliable, as metrics indicate poor data quality at this position in the gnomAD database. This premature translational stop signal has been observed in individual(s) with autosomal recessive bestrophinopathy (PMID: 21825197). ClinVar contains an entry for this variant (Variation ID: 1458641). Algorithms developed to predict the effect of sequence changes on RNA splicing suggest that this variant may create or strengthen a splice site. For these reasons, this variant has been classified as Pathogenic.

Literature cited by the submitters: PubMed 21825197 (cited by Labcorp Genetics (formerly Invitae), Labcorp).